The following is an entry in ClinVar:

NM_005876.5(SPEG):c.7858+5G>A

Genes: ASIC4-AS1 (ASIC4 antisense RNA 1; minus strand), SPEG (striated muscle enriched protein kinase; plus strand). Cytogenetic location: 2q35.
Variant type: single nucleotide variant.
Coding change: c.7858+5G>A on transcript NM_005876.5 (MANE Select); 5 bases into the intron after coding-DNA position 7858, G replaced by A.
Molecular consequence: intron variant.
Genome position (GRCh38, 1-based): chr2:219,488,315, G>A. VCF-style: chr2-219488315-G-A. GRCh37 (hg19) VCF-style: chr2-220353037-G-A.
Identifiers: ClinVar variation 1945873 (VCV001945873.5), dbSNP rs778805591, ClinGen allele CA2127306.

ClinVar aggregate classification (germline): Uncertain significance (1 of 4 stars; one submission).

Allele frequency attached by ClinVar (database versions not stated): ExAC 0.00001; gnomAD exomes 0.00001; TOPMed 0.00001.
gnomAD v4.1: 7 of 1,602,486 alleles (0.00044%); highest among the groups gnomAD compares: Admixed American, 0.0017%; no homozygotes.

Submission:

Labcorp Genetics (formerly Invitae), Labcorp
Classification: Uncertain significance. Last evaluated: 2022-07-19. Review status: criteria provided, single submitter. Criteria: Invitae Variant Classification Sherloc (09022015). Collection method: clinical testing. Allele origin: germline.
Comment: In summary, the available evidence is currently insufficient to determine the role of this variant in disease. Therefore, it has been classified as a Variant of Uncertain Significance. Variants that disrupt the consensus splice site are a relatively common cause of aberrant splicing (PMID: 17576681, 9536098). Algorithms developed to predict the effect of sequence changes on RNA splicing suggest that this variant is not likely to affect RNA splicing. This variant has not been reported in the literature in individuals affected with SPEG-related conditions. This variant is present in population databases (rs778805591, gnomAD 0.003%). This sequence change falls in intron 32 of the SPEG gene. It does not directly change the encoded amino acid sequence of the SPEG protein. It affects a nucleotide within the consensus splice site.

Literature cited by the submitters: PubMed 17576681; PubMed 9536098.